The following is an entry in ClinVar:

ClinVar aggregate classification (germline): Likely pathogenic. Review status: criteria provided, multiple submitters, no conflicts (2 of 4 stars). 2 submissions from 2 submitters: Likely pathogenic (2). Last evaluated 2024-12-18.

Conditions:
Anemia, nonspherocytic hemolytic, due to G6PD deficiency (CNSHA1). Also called: Hemolytic anemia due to G6PD deficiency; Class I glucose-6-phosphate dehydrogenase deficiency; Favism, susceptibility to; ANEMIA, CONGENITAL, NONSPHEROCYTIC HEMOLYTIC, 1. Identifiers: Orphanet 466026, MedGen C2720289, MONDO:0010480, OMIM 300908.

Allele frequency attached by ClinVar (database versions not stated): gnomAD exomes below 0.00001.
gnomAD v4.1: 1 of 1,211,897 alleles (0.000083%); highest among the groups gnomAD compares: South Asian, 0.0018%; no homozygotes.

Submissions (2):

Genomic Medicine Center of Excellence, King Faisal Specialist Hospital and Research Centre
Classification: Likely pathogenic for Anemia, nonspherocytic hemolytic, due to G6PD deficiency. Last evaluated: 2024-12-18. Review status: criteria provided, single submitter. Criteria: ACMG Guidelines, 2015. Collection method: clinical testing. Allele origin: germline.

Dunham Lab, University of Washington
Classification: Likely pathogenic for Anemia, nonspherocytic hemolytic, due to G6PD deficiency. Last evaluated: 2022-08-12. Review status: criteria provided, single submitter. Criteria: Bayesian ACMG Guidelines, 2018. Collection method: curation. Allele origin: unknown. Affected: yes.
Comment: Variant found in heterozygotes with G6PD deficiency (PP4). Decreased activity in red blood cells of heterozygotes (PS3). Predicted to be damaging by PolyPhen (PP3). Not found in gnomAD (PM2). Post_P 0.975 (odds of pathogenicity 350.3, Prior_P 0.1).

Literature cited by the submitters: PubMed 34620237 (cited by Dunham Lab, University of Washington).

NM_001360016.2(G6PD):c.1351C>T (p.His451Tyr)

Gene: G6PD (glucose-6-phosphate dehydrogenase; minus strand). Cytogenetic location: Xq28.
Variant type: single nucleotide variant.
Coding change: c.1351C>T on transcript NM_001360016.2 (MANE Select); coding-DNA position 1351, C replaced by T.
Protein change: p.His451Tyr; replaces histidine 451 with tyrosine.
Molecular consequence: missense variant.
Genome position (GRCh38, 1-based): chrX:154,532,399, G>A on the plus strand (C>T on the coding strand, the complement: G6PD is on the minus strand). VCF-style: chrX-154532399-G-A. GRCh37 (hg19) VCF-style: chrX-153760614-G-A.
Other names: c.1441C>T, p.His481Tyr (NM_000402.4); c.1351C>T, p.His451Tyr (NM_001042351.3); short protein forms H451Y, H481Y.
Identifiers: ClinVar variation 1722627 (VCV001722627.3), dbSNP rs2523261771, ClinGen allele CA415233645.